The following is an entry in ClinVar:

ClinVar aggregate classification (germline): Uncertain significance. Review status: criteria provided, multiple submitters, no conflicts (2 of 4 stars). 2 submissions from 2 submitters: Uncertain significance (2). Last evaluated 2025-12-13.

Conditions:
Fanconi anemia complementation group I (FANCI). Also called: FANCI-Related Fanconi Anemia. Identifiers: Orphanet 84, MedGen C1836861, MONDO:0012186, OMIM 609053.
Fanconi anemia (FA). Also called: Fanconi's anemia. Identifiers: Orphanet 84, MedGen C0015625, MeSH D005199, MONDO:0019391.

Allele frequency attached by ClinVar (database versions not stated): gnomAD below 0.00001 and 0.00001; gnomAD exomes below 0.00001; ExAC 0.00001.
gnomAD v4.1: 2 of 1,613,896 alleles (0.00012%); highest among the groups gnomAD compares: South Asian, 0.0011%; no homozygotes.

Submissions (2):

Labcorp Genetics (formerly Invitae), Labcorp
Classification: Uncertain significance for Fanconi anemia. Last evaluated: 2025-12-13. Review status: criteria provided, single submitter. Criteria: Invitae Variant Classification Sherloc (09022015). Collection method: clinical testing. Allele origin: germline.
Comment: This sequence change replaces glutamic acid, which is acidic and polar, with lysine, which is basic and polar, at codon 155 of the FANCI protein (p.Glu155Lys). This variant is present in population databases (rs766640605, gnomAD 0.006%). This variant has not been reported in the literature in individuals affected with FANCI-related conditions. ClinVar contains an entry for this variant (Variation ID: 842439). Invitae Evidence Modeling of protein sequence and biophysical properties (such as structural, functional, and spatial information, amino acid conservation, physicochemical variation, residue mobility, and thermodynamic stability) indicates that this missense variant is expected to disrupt FANCI protein function with a positive predictive value of 80%. Algorithms developed to predict the effect of sequence changes on RNA splicing suggest that this variant may disrupt the consensus splice site. In summary, the available evidence is currently insufficient to determine the role of this variant in disease. Therefore, it has been classified as a Variant of Uncertain Significance.

Fulgent Genetics
Classification: Uncertain significance for Fanconi anemia complementation group I. Last evaluated: 2023-12-29. Review status: criteria provided, single submitter. Criteria: ACMG Guidelines, 2015. Collection method: clinical testing. Allele origin: germline.

NM_001113378.2(FANCI):c.463G>A (p.Glu155Lys)

Gene: FANCI (FA complementation group I; plus strand). Cytogenetic location: 15q26.1.
Variant type: single nucleotide variant.
Coding change: c.463G>A on transcript NM_001113378.2 (MANE Select); coding-DNA position 463, G replaced by A.
Protein change: p.Glu155Lys; replaces glutamic acid 155 with lysine.
Molecular consequence: missense variant.
Genome position (GRCh38, 1-based): chr15:89,261,838, G>A. VCF-style: chr15-89261838-G-A. GRCh37 (hg19) VCF-style: chr15-89805069-G-A.
Other names: c.184G>A, p.Glu62Lys (NM_001376910.1); c.463G>A, p.Glu155Lys (NM_001376911.1, NM_018193.3); short protein forms E155K, E62K.
Identifiers: ClinVar variation 842439 (VCV000842439.10), dbSNP rs766640605, ClinGen allele CA7722632.